The following is an entry in ClinVar:

NM_152564.5(VPS13B):c.2776G>A (p.Ala926Thr)

Gene: VPS13B (vacuolar protein sorting 13 homolog B; plus strand). Cytogenetic location: 8q22.2.
Variant type: single nucleotide variant.
Coding change: c.2776G>A on transcript NM_152564.5 (MANE Select); coding-DNA position 2776, G replaced by A.
Protein change: p.Ala926Thr; replaces alanine 926 with threonine.
Molecular consequence: missense variant.
Genome position (GRCh38, 1-based): chr8:99,275,206, G>A. VCF-style: chr8-99275206-G-A. GRCh37 (hg19) VCF-style: chr8-100287434-G-A.
Other names: c.2776G>A, p.Ala926Thr (NM_017890.5); short protein forms A926T.
Identifiers: ClinVar variation 1936451 (VCV001936451.3), dbSNP rs2489226882, ClinGen allele CA371862729.
Genomic context (GRCh38, chr8:99,275,206, plus strand): 5'-AGCACCAAGTGGCTCAATGAGAGTAGAAAGCCAGAGTCTCTCTTAGCTCCAGATTTGATG[G>A]CCTTCACAATCCAAGTTCCACAATATATTGACTACTGCCACAATTCCGGTAAGTACAAAC-3'
Protein context (NP_689777.3, residues 916-936): PESLLAPDLM[Ala926Thr]FTIQVPQYID

ClinVar aggregate classification (germline): Uncertain significance (1 of 4 stars; one submission).

Conditions:
Cohen syndrome (COH1). Also called: Cutis verticis gyrata, retinitis pigmentosa, and sensorineural deafness; PEPPER SYNDROME. Identifiers: Orphanet 193, MedGen C0265223, MONDO:0008999, OMIM 216550.

Submission:

Labcorp Genetics (formerly Invitae), Labcorp
Classification: Uncertain significance for Cohen syndrome. Last evaluated: 2023-05-08. Review status: criteria provided, single submitter. Criteria: Invitae Variant Classification Sherloc (09022015). Collection method: clinical testing. Allele origin: germline.
Comment: This sequence change replaces alanine, which is neutral and non-polar, with threonine, which is neutral and polar, at codon 926 of the VPS13B protein (p.Ala926Thr). This variant is not present in population databases (gnomAD no frequency). In summary, the available evidence is currently insufficient to determine the role of this variant in disease. Therefore, it has been classified as a Variant of Uncertain Significance. Advanced modeling of protein sequence and biophysical properties (such as structural, functional, and spatial information, amino acid conservation, physicochemical variation, residue mobility, and thermodynamic stability) performed at Invitae indicates that this missense variant is not expected to disrupt VPS13B protein function. ClinVar contains an entry for this variant (Variation ID: 1936451). This variant has not been reported in the literature in individuals affected with VPS13B-related conditions.